The following is an entry in ClinVar:

NM_001008537.3(NEXMIF):c.3326_3327dup (p.Glu1110fs)

Gene: NEXMIF (neurite extension and migration factor; minus strand). Cytogenetic location: Xq13.3.
Variant type: Microsatellite.
Coding change: c.3326_3327dup on transcript NM_001008537.3 (MANE Select); coding-DNA positions 3326 to 3327, 2 bases duplicated (TG; older notation c.3326_3327dupTG).
Protein change: p.Glu1110fs; shifts the reading frame from glutamic acid 1110.
Molecular consequence: frameshift variant.
Genome position (GRCh38, 1-based): chrX:74,741,230-74,741,231, CA duplicated on the plus strand (TG on the coding strand, the reverse complement: NEXMIF is on the minus strand); duplicating any 2 consecutive bases within chrX:74,741,230-74,741,234 gives the same sequence; the c. name uses the placement nearest the transcript's 3' end. VCF-style (leftmost placement, unchanged base first): chrX-74741229-C-CCA. GRCh37 (hg19) VCF-style: chrX-73961064-C-CCA.
Other names: short protein forms E1110fs.
Identifiers: ClinVar variation 3770220 (VCV003770220.1).

ClinVar aggregate classification (germline): Likely pathogenic (1 of 4 stars; one submission).

Conditions:
X-linked intellectual disability, Cantagrel type (XLID98). Also called: INTELLECTUAL DEVELOPMENTAL DISORDER, X-LINKED 98. Identifiers: Orphanet 85277, MedGen C3806730, MONDO:0010483, OMIM 300912.

Submission:

Department of Neurology, Zibo Changguo Hospital
Classification: Likely pathogenic for X-linked intellectual disability, Cantagrel type. Last evaluated: 2025-01-10. Review status: criteria provided, single submitter. Criteria: ACMG Guidelines, 2015. Collection method: clinical testing. Allele origin: maternal. Inheritance: X-linked inheritance. Affected: yes.
Comment: PVS1, PM2_Supporting